The following is an entry in ClinVar:

NM_001004334.4(GPR179):c.2095G>A (p.Ala699Thr)

Gene: GPR179 (G protein-coupled receptor 179; minus strand). Cytogenetic location: 17q12.
Variant type: single nucleotide variant.
Coding change: c.2095G>A on transcript NM_001004334.4 (MANE Select); coding-DNA position 2095, G replaced by A.
Protein change: p.Ala699Thr; replaces alanine 699 with threonine.
Molecular consequence: missense variant.
Genome position (GRCh38, 1-based): chr17:38,331,474, C>T on the plus strand (G>A on the coding strand, the complement: GPR179 is on the minus strand). VCF-style: chr17-38331474-C-T. GRCh37 (hg19) VCF-style: chr17-36487357-C-T.
Other names: c.2095G>A (NM_001004334.2); short protein forms A699T.
Identifiers: ClinVar variation 1998586 (VCV001998586.5), dbSNP rs748183031, ClinGen allele CA290106149.

ClinVar aggregate classification (germline): Uncertain significance. Review status: criteria provided, multiple submitters, no conflicts (2 of 4 stars). 2 submissions from 2 submitters: Uncertain significance (2). Last evaluated 2023-09-23.

Conditions:
Inborn genetic diseases. Identifiers: MedGen C0950123, MeSH D030342.

Allele frequency attached by ClinVar (database versions not stated): gnomAD exomes 0.00001; ExAC 0.00003.
gnomAD v4.1: 11 of 1,613,906 alleles (0.00068%); highest among the groups gnomAD compares: South Asian, 0.0077%; 1 homozygote.

Submissions (2):

Ambry Genetics
Classification: Uncertain significance for Inborn genetic diseases. Last evaluated: 2023-09-23. Review status: criteria provided, single submitter. Criteria: Ambry Variant Classification Scheme 2023. Collection method: clinical testing. Allele origin: germline.

Labcorp Genetics (formerly Invitae), Labcorp
Classification: Uncertain significance. Last evaluated: 2022-05-25. Review status: criteria provided, single submitter. Criteria: Invitae Variant Classification Sherloc (09022015). Collection method: clinical testing. Allele origin: germline.
Comment: In summary, the available evidence is currently insufficient to determine the role of this variant in disease. Therefore, it has been classified as a Variant of Uncertain Significance. Algorithms developed to predict the effect of missense changes on protein structure and function (SIFT, PolyPhen-2, Align-GVGD) all suggest that this variant is likely to be tolerated. This variant has not been reported in the literature in individuals affected with GPR179-related conditions. This variant is present in population databases (rs748183031, gnomAD 0.01%). This sequence change replaces alanine, which is neutral and non-polar, with threonine, which is neutral and polar, at codon 699 of the GPR179 protein (p.Ala699Thr).